The following is an entry in ClinVar:

NM_007194.4(CHEK2):c.1362A>G (p.Glu454=)

Gene: CHEK2 (checkpoint kinase 2; minus strand). Cytogenetic location: 22q12.1.
Variant type: single nucleotide variant.
Coding change: c.1362A>G on transcript NM_007194.4 (MANE Select); coding-DNA position 1362, A replaced by G.
Protein change: p.Glu454=; no amino-acid change (glutamic acid 454 retained).
Molecular consequence: synonymous variant.
Genome position (GRCh38, 1-based): chr22:28,695,140, T>C on the plus strand (A>G on the coding strand, the complement: CHEK2 is on the minus strand). VCF-style: chr22-28695140-T-C. GRCh37 (hg19) VCF-style: chr22-29091128-T-C.
Other names: c.1491A>G, p.Glu497= (NM_001005735.3); c.699A>G, p.Glu233= (NM_001257387.3); c.1161A>G, p.Glu387= (NM_001349956.3); c.1275A>G, p.Glu425= (NM_145862.3).
Identifiers: ClinVar variation 379199 (VCV000379199.11), dbSNP rs1057520523, ClinGen allele CA16608633.
Genomic context (GRCh38, chr22:28,695,140, plus strand): 5'-TACACATTTTAGCATACCACAAATTCTTAACCCTTTCATATTCATACCTTTCTCTGAGAC[T>C]TCTGCCCAGACTTCAGGAATGAAGTTGTATTTTCCACTGGTGATCTGATCCTTCAGTGAC-3'
Protein context (NP_009125.1, residues 444-464): KYNFIPEVWA[Glu454=]VSEKALDLVK

ClinVar aggregate classification (germline): Benign/Likely benign. Review status: criteria provided, multiple submitters, no conflicts (2 of 4 stars). 4 submissions from 4 submitters: Benign (1); Likely benign (3). Last evaluated 2024-10-08.

Conditions:
Hereditary cancer-predisposing syndrome. Also called: Tumor predisposition; Hereditary neoplastic syndrome; Neoplastic Syndromes, Hereditary; Hereditary Cancer Syndrome. Identifiers: Orphanet 140162, MedGen C0027672, MeSH D009386, MONDO:0015356.
Familial cancer of breast. Also called: hereditary breast carcinoma; Hereditary breast cancer; BREAST CANCER, FAMILIAL. Identifiers: Orphanet 227535, MedGen C0346153, MONDO:0016419, OMIM 114480. Disease mechanism: loss of function.

Submissions (4):

Myriad Genetics, Inc.
Classification: Benign for Familial cancer of breast. Last evaluated: 2024-10-08. Review status: criteria provided, single submitter. Criteria: Myriad Autosomal Dominant, Autosomal Recessive and X-Linked Classification Criteria (2023). Collection method: clinical testing. Allele origin: unknown.
Comment: This variant is considered benign. This variant is a silent/synonymous amino acid change and it is not expected to impact splicing.

Ambry Genetics
Classification: Likely benign for Hereditary cancer-predisposing syndrome. Last evaluated: 2024-05-04. Review status: criteria provided, single submitter. Criteria: Ambry Variant Classification Scheme 2023. Collection method: clinical testing. Allele origin: germline.

Labcorp Genetics (formerly Invitae), Labcorp
Classification: Likely benign for Familial cancer of breast. Last evaluated: 2022-11-01. Review status: criteria provided, single submitter. Criteria: Invitae Variant Classification Sherloc (09022015). Collection method: clinical testing. Allele origin: germline.

GeneDx
Classification: Likely benign. Last evaluated: 2016-05-31. Review status: criteria provided, single submitter. Criteria: GeneDx Variant Classification (06012015). Collection method: clinical testing. Allele origin: germline. Affected: yes.
Comment: This variant is considered likely benign or benign based on one or more of the following criteria: it is a conservative change, it occurs at a poorly conserved position in the protein, it is predicted to be benign by multiple in silico algorithms, and/or has population frequency not consistent with disease.